The following is an entry in ClinVar:

ClinVar aggregate classification (germline): Pathogenic (1 of 4 stars; one submission).

Submission:

Labcorp Genetics (formerly Invitae), Labcorp
Classification: Pathogenic. Last evaluated: 2020-01-10. Review status: criteria provided, single submitter. Criteria: Invitae Variant Classification Sherloc (09022015). Collection method: clinical testing. Allele origin: germline.
Comment: Disruption of this splice site has been observed in individual(s) with hypophosphatemia (PMID: 26051471, Invitae). This variant is not present in population databases (ExAC no frequency). This sequence change affects an acceptor splice site in intron 11 of the PHEX gene. It is expected to disrupt RNA splicing and likely results in an absent or disrupted protein product. For these reasons, this variant has been classified as Pathogenic. Donor and acceptor splice site variants typically lead to a loss of protein function (PMID: 16199547), and loss-of-function variants in PHEX are known to be pathogenic (PMID: 9097956, 9106524, 19219621). Algorithms developed to predict the effect of sequence changes on RNA splicing suggest that this variant may disrupt the consensus splice site, but this prediction has not been confirmed by published transcriptional studies.

Literature cited by the submitters: PubMed 26051471; PubMed 16199547; PubMed 9097956; PubMed 9106524; PubMed 19219621.

NM_000444.6(PHEX):c.1303-1G>A

Gene: PHEX (phosphate regulating endopeptidase X-linked; plus strand). Cytogenetic location: Xp22.11.
Variant type: single nucleotide variant.
Coding change: c.1303-1G>A on transcript NM_000444.6 (MANE Select); the canonical splice acceptor site of the intron before coding-DNA position 1303, G replaced by A.
Molecular consequence: splice acceptor variant.
Genome position (GRCh38, 1-based): chrX:22,133,522, G>A. VCF-style: chrX-22133522-G-A. GRCh37 (hg19) VCF-style: chrX-22151639-G-A.
Other names: c.1303-1G>A (NM_001282754.2).
Identifiers: ClinVar variation 838684 (VCV000838684.10), dbSNP rs1556036014, ClinGen allele CA412574522.